The following is an entry in ClinVar:

NM_004380.3(CREBBP):c.1304A>C (p.Asn435Thr)

Gene: CREBBP (CREB binding lysine acetyltransferase; minus strand). Cytogenetic location: 16p13.3.
Variant type: single nucleotide variant.
Coding change: c.1304A>C on transcript NM_004380.3 (MANE Select); coding-DNA position 1304, A replaced by C.
Protein change: p.Asn435Thr; replaces asparagine 435 with threonine.
Molecular consequence: missense variant. On other transcripts: intron variant (1).
Genome position (GRCh38, 1-based): chr16:3,792,007, T>G on the plus strand (A>C on the coding strand, the complement: CREBBP is on the minus strand). VCF-style: chr16-3792007-T-G. GRCh37 (hg19) VCF-style: chr16-3842008-T-G.
Other names: c.1216+1379A>C (NM_001079846.1); c.1304A>C (NM_004380.2); short protein forms N435T.
Identifiers: ClinVar variation 4738596 (VCV004738596.2).

ClinVar aggregate classification (germline): Conflicting classifications of pathogenicity. Review status: criteria provided, conflicting classifications (1 of 4 stars). 2 submissions from 2 submitters: Uncertain significance (1); Likely benign (1). Last evaluated 2025-11-26.

Conditions:
Rubinstein-Taybi syndrome (RSTS). Identifiers: Orphanet 783, MedGen C0035934, MONDO:0019188.
CREBBP-related disorder. Also called: CREBBP-related condition; CREBBP-related disorders.

gnomAD v4.1: 9 of 1,614,052 alleles (0.00056%); highest among the groups gnomAD compares: Non-Finnish European, 0.00076%; no homozygotes.

Submissions (2):

PreventionGenetics, part of Exact Sciences
Classification: Uncertain significance for CREBBP-related condition. Last evaluated: 2025-11-26. Review status: criteria provided, single submitter. Criteria: ACMG Guidelines, 2015. Collection method: clinical testing. Allele origin: germline.
Comment: The CREBBP c.1304A>C variant is predicted to result in the amino acid substitution p.Asn435Thr. To our knowledge, this variant has not been reported in the literature. This variant is reported in 0.0018% of alleles in individuals of European (Non-Finnish) descent in gnomAD. At this time, the clinical significance of this variant is uncertain due to the absence of conclusive functional and genetic evidence.

Labcorp Genetics (formerly Invitae), Labcorp
Classification: Likely benign for Rubinstein-Taybi syndrome. Last evaluated: 2025-03-19. Review status: criteria provided, single submitter. Criteria: Invitae Variant Classification Sherloc (09022015). Collection method: clinical testing. Allele origin: germline.